The following is an entry in ClinVar:

ClinVar aggregate classification (germline): Conflicting classifications of pathogenicity. Review status: criteria provided, conflicting classifications (1 of 4 stars). 3 submissions from 3 submitters: Uncertain significance (2); Likely benign (1). Last evaluated 2024-12-26.

Conditions:
Hearing loss, autosomal dominant 75. Also called: DEAFNESS, AUTOSOMAL DOMINANT 75. Identifiers: MedGen C5394059, MONDO:0032911, OMIM 618778.
Inborn genetic diseases. Identifiers: MedGen C0950123, MeSH D030342.

Allele frequency attached by ClinVar (database versions not stated): TOPMed below 0.00001; gnomAD 0.00001; ExAC 0.00002.
gnomAD v4.1: 25 of 1,607,948 alleles (0.0016%); highest among the groups gnomAD compares: South Asian, 0.013%; no homozygotes.

Submissions (4):

Laboratory of Prof. Karen Avraham, Tel Aviv University
Classification: Uncertain significance for Hearing loss, autosomal dominant 75. Last evaluated: 2024-12-26. Review status: criteria provided, single submitter. Criteria: ACMG Guidelines, 2015. Collection method: research. Allele origin: germline. Affected: yes. Observed: 1 variant allele.
Comment: The TRAP c.10265C>T:p.(Thr3422Met) heterozygous variant is extremely rare and predicted deleterious.

Ambry Genetics
Classification: Likely benign for Inborn genetic diseases. Last evaluated: 2024-03-08. Review status: criteria provided, single submitter. Criteria: Ambry Variant Classification Scheme 2023. Collection method: clinical testing. Allele origin: germline.

Labcorp Genetics (formerly Invitae), Labcorp
Classification: Uncertain significance. Last evaluated: 2022-10-30. Review status: criteria provided, single submitter. Criteria: Invitae Variant Classification Sherloc (09022015). Collection method: clinical testing. Allele origin: germline.
Comment: In summary, the available evidence is currently insufficient to determine the role of this variant in disease. Therefore, it has been classified as a Variant of Uncertain Significance. Algorithms developed to predict the effect of missense changes on protein structure and function are either unavailable or do not agree on the potential impact of this missense change (SIFT: "Tolerated"; PolyPhen-2: "Possibly Damaging"; Align-GVGD: "Class C0"). This variant has not been reported in the literature in individuals affected with TRRAP-related conditions. This variant is present in population databases (rs767472181, gnomAD 0.01%). This sequence change replaces threonine, which is neutral and polar, with methionine, which is neutral and non-polar, at codon 3393 of the TRRAP protein (p.Thr3393Met).

Dr. Peter K. Rogan Lab, Western University
No classification provided (evidence only). Condition: Hepatocellular carcinoma. Review status: no classification provided. Collection method: in vitro. Allele origin: not applicable. Functional consequence: retained intron. Not counted in ClinVar's aggregate classification.

NM_001375524.1(TRRAP):c.10307C>T (p.Thr3436Met)

Gene: TRRAP (transformation/transcription domain associated protein; plus strand). Cytogenetic location: 7q22.1.
Variant type: single nucleotide variant.
Coding change: c.10307C>T on transcript NM_001375524.1 (MANE Select); coding-DNA position 10307, C replaced by T.
Protein change: p.Thr3436Met; replaces threonine 3436 with methionine.
Molecular consequence: missense variant.
Genome position (GRCh38, 1-based): chr7:98,994,846, C>T. VCF-style: chr7-98994846-C-T. GRCh37 (hg19) VCF-style: chr7-98592469-C-T.
Other names: DFNA75; c.10265C>T, p.Thr3422Met (NM_001244580.2); c.10178C>T, p.Thr3393Met (NM_003496.4); c.10265C>T (NM_001244580.1); short protein forms T3422M, T3393M, T3436M.
Identifiers: ClinVar variation 2791953 (VCV002791953.6), dbSNP rs767472181, ClinGen allele CA4361890.